The following is an entry in ClinVar:

NM_002291.3(LAMB1):c.676+228G>A

Gene: LAMB1 (laminin subunit beta 1; minus strand). Cytogenetic location: 7q31.1.
Variant type: single nucleotide variant.
Coding change: c.676+228G>A on transcript NM_002291.3 (MANE Select); 228 bases into the intron after coding-DNA position 676, G replaced by A.
Molecular consequence: intron variant.
Genome position (GRCh38, 1-based): chr7:107,985,794, C>T on the plus strand (G>A on the coding strand, the complement: LAMB1 is on the minus strand). VCF-style: chr7-107985794-C-T. GRCh37 (hg19) VCF-style: chr7-107626239-C-T.
Identifiers: ClinVar variation 682963 (VCV000682963.1), dbSNP rs113855977, ClinGen allele CA12595696.

ClinVar aggregate classification (germline): Benign (1 of 4 stars; one submission).

Allele frequency attached by ClinVar (database versions not stated): TOPMed 0.14348; 1000 Genomes Project 30x 0.18426; 1000 Genomes Project 0.19169.
gnomAD v4.1: 24,282 of 151,386 alleles (16%); highest among the groups gnomAD compares: East Asian, 35%; 2,565 homozygotes.

Submission:

GeneDx
Classification: Benign. Last evaluated: 2018-06-19. Review status: criteria provided, single submitter. Criteria: GeneDx Variant Classification (06012015). Collection method: clinical testing. Allele origin: germline. Affected: yes.
Comment: This variant is considered likely benign or benign based on one or more of the following criteria: it is a conservative change, it occurs at a poorly conserved position in the protein, it is predicted to be benign by multiple in silico algorithms, and/or has population frequency not consistent with disease.